The following is an entry in ClinVar:

ClinVar aggregate classification (germline): Uncertain significance (1 of 4 stars; one submission).

gnomAD v4.1: 42 of 1,588,524 alleles (0.0026%); highest among the groups gnomAD compares: Non-Finnish European, 0.0035%; no homozygotes.

Submission:

Labcorp Genetics (formerly Invitae), Labcorp
Classification: Uncertain significance. Last evaluated: 2022-03-19. Review status: criteria provided, single submitter. Criteria: Invitae Variant Classification Sherloc (09022015). Collection method: clinical testing. Allele origin: germline.
Comment: In summary, the available evidence is currently insufficient to determine the role of this variant in disease. Therefore, it has been classified as a Variant of Uncertain Significance. Algorithms developed to predict the effect of missense changes on protein structure and function are either unavailable or do not agree on the potential impact of this missense change (SIFT: "Tolerated"; PolyPhen-2: "Probably Damaging"; Align-GVGD: "Class C15"). This variant has not been reported in the literature in individuals affected with VPS13C-related conditions. The frequency data for this variant in the population databases is considered unreliable, as metrics indicate poor data quality at this position in the gnomAD database. This sequence change replaces arginine, which is basic and polar, with glycine, which is neutral and non-polar, at codon 3172 of the VPS13C protein (p.Arg3172Gly).

NM_020821.3(VPS13C):c.9514C>G (p.Arg3172Gly)

Gene: VPS13C (vacuolar protein sorting 13 homolog C; minus strand). Cytogenetic location: 15q22.2.
Variant type: single nucleotide variant.
Coding change: c.9514C>G on transcript NM_020821.3 (MANE Select); coding-DNA position 9514, C replaced by G.
Protein change: p.Arg3172Gly; replaces arginine 3172 with glycine.
Molecular consequence: missense variant.
Genome position (GRCh38, 1-based): chr15:61,882,706, G>C on the plus strand (C>G on the coding strand, the complement: VPS13C is on the minus strand). VCF-style: chr15-61882706-G-C. GRCh37 (hg19) VCF-style: chr15-62174905-G-C.
Other names: c.9514C>G, p.Arg3172Gly (NM_001018088.3); c.9385C>G, p.Arg3129Gly (NM_017684.5, NM_018080.4); short protein forms R3172G, R3129G.
Identifiers: ClinVar variation 1981733 (VCV001981733.4), dbSNP rs372160182, ClinGen allele CA392673421.